The following is an entry in ClinVar:

ClinVar aggregate classification (germline): Uncertain significance (0 of 4 stars; one submission).

Conditions:
ABCA2-related disorder. Also called: ABCA2-related condition.

Allele frequency attached by ClinVar (database versions not stated): gnomAD 0.00001.
gnomAD v4.1: 2 of 1,570,998 alleles (0.00013%); highest among the groups gnomAD compares: East Asian, 0.0023%; no homozygotes.

Submission:

PreventionGenetics, part of Exact Sciences
Classification: Uncertain significance for ABCA2-related condition. Last evaluated: 2023-12-13. Review status: no assertion criteria provided. Collection method: clinical testing. Allele origin: germline.
Comment: The ABCA2 c.365C>G variant is predicted to result in the amino acid substitution p.Thr122Arg. To our knowledge, this variant has not been reported in the literature. This variant is reported in 0.064% of alleles in individuals of East Asian descent in gnomAD. At this time, the clinical significance of this variant is uncertain due to the absence of conclusive functional and genetic evidence.

NM_001606.5(ABCA2):c.275C>G (p.Thr92Arg)

Gene: ABCA2 (ATP binding cassette subfamily A member 2; minus strand). Cytogenetic location: 9q34.3.
Variant type: single nucleotide variant.
Coding change: c.275C>G on transcript NM_001606.5 (MANE Select); coding-DNA position 275, C replaced by G.
Protein change: p.Thr92Arg; replaces threonine 92 with arginine.
Molecular consequence: missense variant.
Genome position (GRCh38, 1-based): chr9:137,022,941, G>C on the plus strand (C>G on the coding strand, the complement: ABCA2 is on the minus strand). VCF-style: chr9-137022941-G-C. GRCh37 (hg19) VCF-style: chr9-139917393-G-C.
Other names: c.272C>G, p.Thr91Arg (NM_001411042.1); c.365C>G, p.Thr122Arg (NM_212533.3); short protein forms T122R, T91R, T92R.
Identifiers: ClinVar variation 3058960 (VCV003058960.2), dbSNP rs746381652, ClinGen allele CA375678109.